The following is an entry in ClinVar:

ClinVar aggregate classification (germline): Uncertain significance (1 of 4 stars; one submission).

Conditions:
Hereditary cancer-predisposing syndrome. Also called: Neoplastic Syndromes, Hereditary; Tumor predisposition; Hereditary Cancer Syndrome; Hereditary neoplastic syndrome. Identifiers: Orphanet 140162, MedGen C0027672, MeSH D009386, MONDO:0015356.

Submission:

Ambry Genetics
Classification: Uncertain significance for Hereditary cancer-predisposing syndrome. Last evaluated: 2026-05-28. Review status: criteria provided, single submitter. Criteria: Ambry Variant Classification Scheme 2023. Collection method: clinical testing. Allele origin: germline.
Comment: The p.E212K variant (also known as c.634G>A), located in coding exon 8 of the BAP1 gene, results from a G to A substitution at nucleotide position 634. The glutamic acid at codon 212 is replaced by lysine, an amino acid with similar properties. This amino acid position is conserved. In addition, the in silico prediction for this alteration is inconclusive. Based on the available evidence, the clinical significance of this variant remains unclear.

NM_004656.4(BAP1):c.634G>A (p.Glu212Lys)

Gene: BAP1 (BRCA1 associated deubiquitinase 1; minus strand). Cytogenetic location: 3p21.1.
Variant type: single nucleotide variant.
Coding change: c.634G>A on transcript NM_004656.4 (MANE Select); coding-DNA position 634, G replaced by A.
Protein change: p.Glu212Lys; replaces glutamic acid 212 with lysine.
Molecular consequence: missense variant.
Genome position (GRCh38, 1-based): chr3:52,406,854, C>T on the plus strand (G>A on the coding strand, the complement: BAP1 is on the minus strand). VCF-style: chr3-52406854-C-T. GRCh37 (hg19) VCF-style: chr3-52440870-C-T.
Other names: c.634G>A, p.Glu212Lys (NM_001410772.1); short protein forms E212K.
Identifiers: ClinVar variation 4867371 (VCV004867371.1).